The following is an entry in ClinVar:

NM_001134363.3(RBM20):c.1367C>T (p.Ala456Val)

Gene: RBM20 (RNA binding motif protein 20; plus strand). Cytogenetic location: 10q25.2.
Variant type: single nucleotide variant.
Coding change: c.1367C>T on transcript NM_001134363.3 (MANE Select); coding-DNA position 1367, C replaced by T.
Protein change: p.Ala456Val; replaces alanine 456 with valine.
Molecular consequence: missense variant.
Genome position (GRCh38, 1-based): chr10:110,784,370, C>T. VCF-style: chr10-110784370-C-T. GRCh37 (hg19) VCF-style: chr10-112544128-C-T.
Other names: short protein forms A456V.
Identifiers: ClinVar variation 2131932 (VCV002131932.4), dbSNP rs1590677293, ClinGen allele CA378387713.
Genomic context (GRCh38, chr10:110,784,370, plus strand): 5'-GGAGCCGGTTTCCCTTTCTCGCCCTCTCCAGTGCTGGCATCCGGTGTATACTTGGTTCGG[C>T]AGAGGGAACATTGTGTGCTTCTCCCAACAGCACAGCTGTTTATAACCCTGCTGGGAATGA-3'
Protein context (NP_001127835.2, residues 446-466): NAGIRCILGS[Ala456Val]EGTLCASPNS

ClinVar aggregate classification (germline): Uncertain significance (1 of 4 stars; one submission).

Conditions:
Dilated cardiomyopathy 1DD (CMD1DD). Identifiers: Orphanet 154, MedGen C2750995, MONDO:0013168, OMIM 613172.

Submission:

Labcorp Genetics (formerly Invitae), Labcorp
Classification: Uncertain significance for Dilated cardiomyopathy 1DD. Last evaluated: 2022-04-29. Review status: criteria provided, single submitter. Criteria: Invitae Variant Classification Sherloc (09022015). Collection method: clinical testing. Allele origin: germline.
Comment: In summary, the available evidence is currently insufficient to determine the role of this variant in disease. Therefore, it has been classified as a Variant of Uncertain Significance. Algorithms developed to predict the effect of sequence changes on RNA splicing suggest that this variant may disrupt the consensus splice site. Advanced modeling of protein sequence and biophysical properties (such as structural, functional, and spatial information, amino acid conservation, physicochemical variation, residue mobility, and thermodynamic stability) performed at Invitae indicates that this missense variant is not expected to disrupt RBM20 protein function. This variant has not been reported in the literature in individuals affected with RBM20-related conditions. This variant is not present in population databases (gnomAD no frequency). This sequence change replaces alanine, which is neutral and non-polar, with valine, which is neutral and non-polar, at codon 456 of the RBM20 protein (p.Ala456Val).